The following is an entry in ClinVar:

ClinVar aggregate classification (germline): Uncertain significance (1 of 4 stars; one submission).

Conditions:
Inborn genetic diseases. Identifiers: MedGen C0950123, MeSH D030342.

Submission:

Ambry Genetics
Classification: Uncertain significance for Inborn genetic diseases. Last evaluated: 2025-05-29. Review status: criteria provided, single submitter. Criteria: Ambry Variant Classification Scheme 2023. Collection method: clinical testing. Allele origin: germline.
Comment: The c.751G>A (p.E251K) alteration is located in exon 2 (coding exon 2) of the BPTF gene. This alteration results from a G to A substitution at nucleotide position 751, causing the glutamic acid (E) at amino acid position 251 to be replaced by a lysine (K). This variant was not reported in population-based cohorts in the Genome Aggregation Database (gnomAD). This amino acid position is highly conserved in available vertebrate species. This missense alteration is located in a region that has a low rate of benign missense variation (Lek, 2016; Firth, 2009). This alteration is predicted to be deleterious by in silico analysis. Based on insufficient or conflicting evidence, the clinical significance of this alteration remains unclear.

NM_182641.4(BPTF):c.751G>A (p.Glu251Lys)

Gene: BPTF (bromodomain PHD finger transcription factor; plus strand). Cytogenetic location: 17q24.2.
Variant type: single nucleotide variant.
Coding change: c.751G>A on transcript NM_182641.4 (MANE Select); coding-DNA position 751, G replaced by A.
Protein change: p.Glu251Lys; replaces glutamic acid 251 with lysine.
Molecular consequence: missense variant.
Genome position (GRCh38, 1-based): chr17:67,854,077, G>A. VCF-style: chr17-67854077-G-A. GRCh37 (hg19) VCF-style: chr17-65850193-G-A.
Other names: c.751G>A, p.Glu251Lys (NM_004459.7); short protein forms E251K.
Identifiers: ClinVar variation 3992537 (VCV003992537.1).